The following is an entry in ClinVar:

NM_005477.3(HCN4):c.452A>G (p.Glu151Gly)

Gene: HCN4 (hyperpolarization activated cyclic nucleotide gated potassium channel 4; minus strand). Cytogenetic location: 15q24.1.
Variant type: single nucleotide variant.
Coding change: c.452A>G on transcript NM_005477.3 (MANE Select); coding-DNA position 452, A replaced by G.
Protein change: p.Glu151Gly; replaces glutamic acid 151 with glycine.
Molecular consequence: missense variant.
Genome position (GRCh38, 1-based): chr15:73,367,819, T>C on the plus strand (A>G on the coding strand, the complement: HCN4 is on the minus strand). VCF-style: chr15-73367819-T-C. GRCh37 (hg19) VCF-style: chr15-73660160-T-C.
Other names: c.452A>G (NM_005477.2); short protein forms E151G.
Identifiers: ClinVar variation 2739183 (VCV002739183.3), dbSNP rs1444209986, ClinGen allele CA393097980.
Genomic context (GRCh38, chr15:73,367,819, plus strand): 5'-GGCTGCTGGGGCGGCGGCGGCGAGGCTGCGGGCTGCGCCGAGGCGCCGGGGCGCTCGGGC[T>C]CGGCCGCCAGGCCTGGGGGCGTCCTGTCCTCGCCGGGGGACGCGTCGCCCTCGGCGATGA-3'
Protein context (NP_005468.1, residues 141-161): EDRTPPGLAA[Glu151Gly]PERPGASAQP

ClinVar aggregate classification (germline): Uncertain significance. Review status: criteria provided, multiple submitters, no conflicts (2 of 4 stars). 2 submissions from 2 submitters: Uncertain significance (2). Last evaluated 2024-06-09.

Conditions:
Brugada syndrome 8 (BRGDA8). Identifiers: Orphanet 130, MedGen C2751083, MONDO:0013148, OMIM 613123.
Cardiovascular phenotype. Identifiers: MedGen CN230736.

Allele frequency attached by ClinVar (database versions not stated): gnomAD exomes below 0.00001; gnomAD 0.00001; TOPMed 0.00001.
gnomAD v4.1: 4 of 1,234,056 alleles (0.00032%); highest among the groups gnomAD compares: Non-Finnish European, 0.0004%; no homozygotes.

Submissions (2):

Ambry Genetics
Classification: Uncertain significance for Cardiovascular phenotype. Last evaluated: 2024-06-09. Review status: criteria provided, single submitter. Criteria: Ambry Variant Classification Scheme 2023. Collection method: clinical testing. Allele origin: germline.
Comment: The p.E151G variant (also known as c.452A>G), located in coding exon 1 of the HCN4 gene, results from an A to G substitution at nucleotide position 452. The glutamic acid at codon 151 is replaced by glycine, an amino acid with similar properties. This amino acid position is conserved. In addition, this alteration is predicted to be tolerated by in silico analysis. Based on the available evidence, the clinical significance of this variant remains unclear.

Labcorp Genetics (formerly Invitae), Labcorp
Classification: Uncertain significance for Brugada syndrome 8. Last evaluated: 2023-06-05. Review status: criteria provided, single submitter. Criteria: Invitae Variant Classification Sherloc (09022015). Collection method: clinical testing. Allele origin: germline.
Comment: In summary, the available evidence is currently insufficient to determine the role of this variant in disease. Therefore, it has been classified as a Variant of Uncertain Significance. Advanced modeling of protein sequence and biophysical properties (such as structural, functional, and spatial information, amino acid conservation, physicochemical variation, residue mobility, and thermodynamic stability) performed at Invitae indicates that this missense variant is not expected to disrupt HCN4 protein function. This variant has not been reported in the literature in individuals affected with HCN4-related conditions. This variant is not present in population databases (gnomAD no frequency). This sequence change replaces glutamic acid, which is acidic and polar, with glycine, which is neutral and non-polar, at codon 151 of the HCN4 protein (p.Glu151Gly).